The following is an entry in ClinVar:

NM_015702.3(MMADHC):c.434G>C (p.Arg145Thr)

Gene: MMADHC (metabolism of cobalamin associated D; minus strand). Cytogenetic location: 2q23.2.
Variant type: single nucleotide variant.
Coding change: c.434G>C on transcript NM_015702.3 (MANE Select); coding-DNA position 434, G replaced by C.
Protein change: p.Arg145Thr; replaces arginine 145 with threonine.
Molecular consequence: missense variant.
Genome position (GRCh38, 1-based): chr2:149,576,481, C>G on the plus strand (G>C on the coding strand, the complement: MMADHC is on the minus strand). VCF-style: chr2-149576481-C-G. GRCh37 (hg19) VCF-style: chr2-150432995-C-G.
Other names: c.434G>C (NM_015702.2); short protein forms R145T.
Identifiers: ClinVar variation 1382402 (VCV001382402.6), dbSNP rs780889876, ClinGen allele CA1902407.

ClinVar aggregate classification (germline): Uncertain significance. Review status: criteria provided, multiple submitters, no conflicts (2 of 4 stars). 2 submissions from 2 submitters: Uncertain significance (2). Last evaluated 2025-08-14.

Conditions:
Inborn genetic diseases. Identifiers: MedGen C0950123, MeSH D030342.
Methylmalonic aciduria and homocystinuria type cblD (MAHCD). Also called: METHYLMALONIC ACIDEMIA, cblH TYPE; Methylmalonic aciduria with homocystinuria cblD type. Identifiers: Orphanet 622, Orphanet 79283, MedGen C1848552, MONDO:0010185, OMIM 277410.

Allele frequency attached by ClinVar (database versions not stated): gnomAD 0.00001; gnomAD exomes 0.00001; ExAC 0.00002.
gnomAD v4.1: 16 of 1,613,546 alleles (0.00099%); highest among the groups gnomAD compares: Non-Finnish European, 0.0013%; no homozygotes.

Submissions (2):

Ambry Genetics
Classification: Uncertain significance for Inborn genetic diseases. Last evaluated: 2025-08-14. Review status: criteria provided, single submitter. Criteria: Ambry Variant Classification Scheme 2023. Collection method: clinical testing. Allele origin: germline.

Labcorp Genetics (formerly Invitae), Labcorp
Classification: Uncertain significance for Methylmalonic aciduria and homocystinuria type cblD. Last evaluated: 2022-06-13. Review status: criteria provided, single submitter. Criteria: Invitae Variant Classification Sherloc (09022015). Collection method: clinical testing. Allele origin: germline.
Comment: This sequence change replaces arginine, which is basic and polar, with threonine, which is neutral and polar, at codon 145 of the MMADHC protein (p.Arg145Thr). This variant is present in population databases (rs780889876, gnomAD 0.002%). This variant has not been reported in the literature in individuals affected with MMADHC-related conditions. Algorithms developed to predict the effect of missense changes on protein structure and function (SIFT, PolyPhen-2, Align-GVGD) all suggest that this variant is likely to be tolerated. In summary, the available evidence is currently insufficient to determine the role of this variant in disease. Therefore, it has been classified as a Variant of Uncertain Significance.